The following is an entry in ClinVar:

NM_024675.4(PALB2):c.2148T>A (p.Asn716Lys)

Gene: PALB2 (partner and localizer of BRCA2; minus strand). Cytogenetic location: 16p12.2.
Variant type: single nucleotide variant.
Coding change: c.2148T>A on transcript NM_024675.4 (MANE Select); coding-DNA position 2148, T replaced by A.
Protein change: p.Asn716Lys; replaces asparagine 716 with lysine.
Molecular consequence: missense variant.
Genome position (GRCh38, 1-based): chr16:23,630,006, A>T on the plus strand (T>A on the coding strand, the complement: PALB2 is on the minus strand). VCF-style: chr16-23630006-A-T. GRCh37 (hg19) VCF-style: chr16-23641327-A-T.
Other names: short protein forms N716K.
Identifiers: ClinVar variation 245657 (VCV000245657.30), dbSNP rs770145849, ClinGen allele CA7963617.

ClinVar aggregate classification (germline): Conflicting classifications of pathogenicity. Review status: criteria provided, conflicting classifications (1 of 4 stars). 8 submissions from 8 submitters: Uncertain significance (5); Likely benign (3). Last evaluated 2026-09-15.

Conditions:
Hereditary cancer-predisposing syndrome. Also called: Tumor predisposition; Hereditary neoplastic syndrome; Hereditary Cancer Syndrome; Neoplastic Syndromes, Hereditary. Identifiers: Orphanet 140162, MedGen C0027672, MeSH D009386, MONDO:0015356.
Fanconi anemia complementation group N. Also called: PALB2-Related Fanconi Anemia. Identifiers: Orphanet 84, MedGen C1835817, MONDO:0012565, OMIM 610832. Disease mechanism: loss of function.
Familial cancer of breast. Also called: BREAST CANCER, FAMILIAL; hereditary breast carcinoma; Hereditary breast cancer. Identifiers: Orphanet 227535, MedGen C0346153, MONDO:0016419, OMIM 114480. Disease mechanism: loss of function.
Pancreatic cancer, susceptibility to, 3. Identifiers: Orphanet 1333, MedGen C3150547, MONDO:0013236, OMIM 613348.

Allele frequency attached by ClinVar (database versions not stated): ExAC 0.00002; TOPMed 0.00004.
gnomAD v4.1: 8 of 1,614,042 alleles (0.0005%); highest among the groups gnomAD compares: Admixed American, 0.013%; no homozygotes.

Submissions (8):

GeneDx
Classification: Uncertain significance. Last evaluated: 2026-09-15. Review status: criteria provided, single submitter. Criteria: GeneDx Variant Classification Process June 2021. Collection method: clinical testing. Allele origin: germline.
Comment: Published functional studies suggest a neutral effect: demonstrates no impact on homology-directed repair activity in a single study (PMID: 31636395); In silico analysis supports that this missense variant has a deleterious effect on protein structure/function; This variant is associated with the following publications: (PMID: 31206626, 22941656, 26689913, 33195396, 31636395)

Labcorp Genetics (formerly Invitae), Labcorp
Classification: Uncertain significance for Familial cancer of breast. Last evaluated: 2026-01-31. Review status: criteria provided, single submitter. Criteria: Invitae Variant Classification Sherloc (09022015). Collection method: clinical testing. Allele origin: germline.
Comment: This sequence change replaces asparagine, which is neutral and polar, with lysine, which is basic and polar, at codon 716 of the PALB2 protein (p.Asn716Lys). This variant is present in population databases (rs770145849, gnomAD 0.02%). This variant has not been reported in the literature in individuals affected with PALB2-related conditions. ClinVar contains an entry for this variant (Variation ID: 245657). Invitae Evidence Modeling of protein sequence and biophysical properties (such as structural, functional, and spatial information, amino acid conservation, physicochemical variation, residue mobility, and thermodynamic stability) indicates that this missense variant is not expected to disrupt PALB2 protein function with a negative predictive value of 80%. Experimental studies have shown that this missense change does not substantially affect PALB2 function (PMID: 31636395). In summary, the available evidence is currently insufficient to determine the role of this variant in disease. Therefore, it has been classified as a Variant of Uncertain Significance.

Quest Diagnostics Nichols Institute San Juan Capistrano
Classification: Uncertain significance. Last evaluated: 2025-10-13. Review status: criteria provided, single submitter. Criteria: Quest Diagnostics criteria. Collection method: clinical testing. Allele origin: unknown.
Comment: The PALB2 c.2148T>A (p.Asn716Lys) variant has been reported in the published literature in individuals with breast cancer (PMID: 31206626 (2019)), and a functional study demonstrated that this variant had a neutral effect on protein function (PMID: 31636395 (2020)). The frequency of this variant in the general population (Genome Aggregation Database) is uninformative in the assessment of its pathogenicity. Analysis of this variant using bioinformatics tools for the prediction of the effect of amino acid changes on protein structure and function yielded predictions that this variant is benign. Based on the available information, we are unable to determine the clinical significance of this variant.

Color Diagnostics, LLC DBA Color Health
Classification: Likely benign for Hereditary cancer-predisposing syndrome. Last evaluated: 2025-04-14. Review status: criteria provided, single submitter. Criteria: ACMG Guidelines, 2015. Collection method: clinical testing. Allele origin: germline.

Myriad Genetics, Inc.
Classification: Likely benign for Familial cancer of breast. Last evaluated: 2025-01-15. Review status: criteria provided, single submitter. Criteria: Myriad Autosomal Dominant, Autosomal Recessive and X-Linked Classification Criteria (2023). Collection method: clinical testing. Allele origin: unknown.
Comment: This variant is considered likely benign. This variant is strongly associated with less severe personal and family histories of cancer, typical for individuals without pathogenic variants in this gene [PMID: 25085752].

Baylor Genetics
Classification: Uncertain significance for Familial cancer of breast. Last evaluated: 2023-12-18. Review status: criteria provided, single submitter. Criteria: ACMG Guidelines, 2015. Collection method: clinical testing. Allele origin: unknown.

Ambry Genetics
Classification: Likely benign for Hereditary cancer-predisposing syndrome. Last evaluated: 2022-04-22. Review status: criteria provided, single submitter. Criteria: Ambry Variant Classification Scheme 2023. Collection method: clinical testing. Allele origin: germline.

Fulgent Genetics
Classification: Uncertain significance for Familial cancer of breast; Fanconi anemia complementation group N; Pancreatic cancer, susceptibility to, 3. Last evaluated: 2021-12-30. Review status: criteria provided, single submitter. Criteria: ACMG Guidelines, 2015. Collection method: clinical testing. Allele origin: unknown.

Literature cited by the submitters: PubMed 31636395 (cited by 3 submitters); PubMed 31206626 (cited by Quest Diagnostics Nichols Institute San Juan Capistrano and Ambry Genetics); PubMed 33195396 (cited by Quest Diagnostics Nichols Institute San Juan Capistrano); PubMed 25085752 (cited by Myriad Genetics, Inc.).